The following is an entry in ClinVar:

ClinVar aggregate classification (germline): Conflicting classifications of pathogenicity. Review status: criteria provided, conflicting classifications (1 of 4 stars). 2 submissions from 2 submitters: Uncertain significance (1); Likely benign (1). Last evaluated 2025-02-05.

Conditions:
Rhabdoid tumor predisposition syndrome 2 (RTPS2). Identifiers: Orphanet 231108, Orphanet 69077, MedGen C2750074, MONDO:0013224, OMIM 613325.
Hereditary cancer-predisposing syndrome. Also called: Neoplastic Syndromes, Hereditary; Tumor predisposition; Hereditary neoplastic syndrome; Hereditary Cancer Syndrome. Identifiers: Orphanet 140162, MedGen C0027672, MeSH D009386, MONDO:0015356.

gnomAD v4.1: 1 of 1,613,822 alleles (0.000062%); no homozygotes.

Submissions (2):

Ambry Genetics
Classification: Likely benign for Hereditary cancer-predisposing syndrome. Last evaluated: 2025-02-05. Review status: criteria provided, single submitter. Criteria: Ambry Variant Classification Scheme 2023. Collection method: clinical testing. Allele origin: germline.

Labcorp Genetics (formerly Invitae), Labcorp
Classification: Uncertain significance for Rhabdoid tumor predisposition syndrome 2. Last evaluated: 2024-07-30. Review status: criteria provided, single submitter. Criteria: Invitae Variant Classification Sherloc (09022015). Collection method: clinical testing. Allele origin: germline.
Comment: This sequence change replaces alanine, which is neutral and non-polar, with serine, which is neutral and polar, at codon 152 of the SMARCA4 protein (p.Ala152Ser). This variant is not present in population databases (gnomAD no frequency). This variant has not been reported in the literature in individuals affected with SMARCA4-related conditions. ClinVar contains an entry for this variant (Variation ID: 2452867). Advanced modeling of protein sequence and biophysical properties (such as structural, functional, and spatial information, amino acid conservation, physicochemical variation, residue mobility, and thermodynamic stability) performed at Invitae indicates that this missense variant is not expected to disrupt SMARCA4 protein function with a negative predictive value of 95%. In summary, the available evidence is currently insufficient to determine the role of this variant in disease. Therefore, it has been classified as a Variant of Uncertain Significance.

NM_003072.5(SMARCA4):c.454G>T (p.Ala152Ser)

Gene: SMARCA4 (SWI/SNF related BAF chromatin remodeling complex subunit ATPase 4; plus strand). Cytogenetic location: 19p13.2.
Variant type: single nucleotide variant.
Coding change: c.454G>T on transcript NM_003072.5 (MANE Select); coding-DNA position 454, G replaced by T.
Protein change: p.Ala152Ser; replaces alanine 152 with serine.
Molecular consequence: missense variant. On other transcripts: non-coding transcript variant (1).
Genome position (GRCh38, 1-based): chr19:10,986,287, G>T. VCF-style: chr19-10986287-G-T. GRCh37 (hg19) VCF-style: chr19-11096963-G-T.
Other names: c.454G>T, p.Ala152Ser (NM_001128844.3, NM_001128845.2, NM_001128846.2 and 6 more transcripts); short protein forms A152S.
Identifiers: ClinVar variation 2452867 (VCV002452867.6), dbSNP rs2086024759, ClinGen allele CA404056000.